The following is an entry in ClinVar:

NM_000257.4(MYH7):c.3752C>T (p.Thr1251Ile)

Gene: MYH7 (myosin heavy chain 7; minus strand). Cytogenetic location: 14q11.2.
Variant type: single nucleotide variant.
Coding change: c.3752C>T on transcript NM_000257.4 (MANE Select); coding-DNA position 3752, C replaced by T.
Protein change: p.Thr1251Ile; replaces threonine 1251 with isoleucine.
Molecular consequence: missense variant.
Genome position (GRCh38, 1-based): chr14:23,419,584, G>A on the plus strand (C>T on the coding strand, the complement: MYH7 is on the minus strand). VCF-style: chr14-23419584-G-A. GRCh37 (hg19) VCF-style: chr14-23888793-G-A.
Other names: short protein forms T1251I.
Identifiers: ClinVar variation 921982 (VCV000921982.6), dbSNP rs1892382659, ClinGen allele CA389042758.

ClinVar aggregate classification (germline): Uncertain significance. Review status: criteria provided, multiple submitters, no conflicts (2 of 4 stars). 2 submissions from 2 submitters: Uncertain significance (2). Last evaluated 2022-12-31.

Conditions:
Cardiomyopathy (CMYO). Also called: Cardiomyopathies. Identifiers: Orphanet 167848, MedGen C0878544, MONDO:0004994, HP:0001638. Inheritance: Various modes of inheritance.
Hypertrophic cardiomyopathy. Also called: HYPERTROPHIC MYOCARDIOPATHY. Identifiers: Orphanet 217569, MedGen C0007194, MeSH D002312, MONDO:0005045, HP:0001639.

Submissions (2):

Labcorp Genetics (formerly Invitae), Labcorp
Classification: Uncertain significance for Hypertrophic cardiomyopathy. Last evaluated: 2022-12-31. Review status: criteria provided, single submitter. Criteria: Invitae Variant Classification Sherloc (09022015). Collection method: clinical testing. Allele origin: germline.
Comment: This variant is not present in population databases (gnomAD no frequency). In summary, the available evidence is currently insufficient to determine the role of this variant in disease. Therefore, it has been classified as a Variant of Uncertain Significance. Advanced modeling of protein sequence and biophysical properties (such as structural, functional, and spatial information, amino acid conservation, physicochemical variation, residue mobility, and thermodynamic stability) performed at Invitae indicates that this missense variant is expected to disrupt MYH7 protein function. ClinVar contains an entry for this variant (Variation ID: 921982). This variant has not been reported in the literature in individuals affected with MYH7-related conditions. This sequence change replaces threonine, which is neutral and polar, with isoleucine, which is neutral and non-polar, at codon 1251 of the MYH7 protein (p.Thr1251Ile).

Color Diagnostics, LLC DBA Color Health
Classification: Uncertain significance for Cardiomyopathy. Last evaluated: 2019-12-30. Review status: criteria provided, single submitter. Criteria: ACMG Guidelines, 2015. Collection method: clinical testing. Allele origin: germline.
Comment: This missense variant replaces threonine with isoleucine at codon 1251 of the MYH7 protein. Computational prediction is inconclusive regarding the impact of this variant on protein structure and function (internally defined REVEL score threshold 0.5 < inconclusive < 0.7, PMID: 27666373). Splice site prediction tools suggest that this variant may not impact RNA splicing. To our knowledge, functional studies have not been performed for this variant. This variant has not been reported in individuals affected with cardiovascular disorders in the literature. This variant has not been identified in the general population by the Genome Aggregation Database (gnomAD). The available evidence is insufficient to determine the role of this variant in disease conclusively. Therefore, this variant is classified as a Variant of Uncertain Significance.